The following is an entry in ClinVar:

ClinVar aggregate classification (germline): Benign. Review status: criteria provided, single submitter (1 of 4 stars). 2 submissions from 2 submitters: Benign (1). 1 of the submissions does not count toward it. Last evaluated 2015-01-07.

Conditions:
Premature ovarian insufficiency (POF). Also called: Premature ovarian failure. Identifiers: MedGen C4303540, HP:0008209.
Normal pregnancy. Identifiers: MedGen C0232989.

Submissions (2):

Department of Biotechnology, Institute of Molecular and Cell Biology, University of Tartu
Classification: Benign for Primary ovarian failure. Last evaluated: 2015-01-07. Review status: criteria provided, single submitter. Criteria: ACMG CNV Guidelines, 2011. Collection method: reference population. Allele origin: unknown. Affected: yes. Observed: 4 variant alleles.

Institute of Molecular and Cell Biology, University of Tartu
No classification provided. Condition: Normal pregnancy. Review status: no classification provided. Collection method: case-control. Allele origin: unknown. Affected: yes. Study: Kasak2014. Not counted in ClinVar's aggregate classification.
Comment: The study aimed to determine the contribution of copy number variants in the genetic etiology of normal and complicated pregnancies. The samples represented (i) maternal blood DNA drawn from healthy pregnant women during 1st or 2nd trimester and (ii) maternal and paternal blood DNA drawn at term pregnancy cases representing normal and complicated gestations (severe preeclampsia, PE; gestational diabetes, GD; small-for-gestational age newborn, SGA; large-for-gestational age newborn, LGA). We performed CNV calling based on genome-wide genotyping dataset (Illumina HumanOmniExpress-24-v1 BeadChip) by applying three algorithms, QuantiSNP, GADA (Genome Alteration Detection Algorithm) and CNstream in parallel. The acquired CNV calls were merged with HD-CNV (Hotspot Detector for Copy Number Variants) program and only the CNVs predicted by at least two programs, were considered in subsequent analysis.

Literature cited by the submitters: PubMed 25666259 (cited by Institute of Molecular and Cell Biology, University of Tartu).

GRCh38/hg38 8q24.23(chr8:136675987-136845084)x1

Gene: LINC02055 (long independently transcribed non-coding RNA 2055; plus strand). Cytogenetic location: 8q24.23.
Variant type: copy number loss.
Change: copy number 1 (one copy instead of two) of chr8:136,675,987-136,845,084 (169.1 kb, GRCh38 coordinates, 1-based), cytogenetic band 8q24.23.
Identifiers: ClinVar variation 221723 (VCV000221723.2).